The following is an entry in ClinVar:

ClinVar aggregate classification (germline): Pathogenic (0 of 4 stars; one submission).

Submission:

GenMed Metabolism Lab
Classification: Pathogenic. Review status: no assertion criteria provided. Collection method: not provided. Allele origin: unknown.
ClinVar note: Converted during submission from pathogenic to Pathogenic.

NM_000531.6(OTC):c.991A>T (p.Lys331Ter)

Gene: OTC (ornithine transcarbamylase; plus strand). Cytogenetic location: Xp11.4.
Variant type: single nucleotide variant.
Coding change: c.991A>T on transcript NM_000531.6 (MANE Select); coding-DNA position 991, A replaced by T.
Protein change: p.Lys331Ter; replaces lysine 331 with a stop codon.
Molecular consequence: nonsense.
Genome position (GRCh38, 1-based): chrX:38,411,985, A>T. VCF-style: chrX-38411985-A-T. GRCh37 (hg19) VCF-style: chrX-38271238-A-T.
Other names: short protein forms K331*.
Identifiers: ClinVar variation 97377 (VCV000097377.2), dbSNP rs72558479, ClinGen allele CA224865.